The following is an entry in ClinVar:

ClinVar aggregate classification (germline): Pathogenic (1 of 4 stars; one submission).

Conditions:
Multiple endocrine neoplasia, type 1 (MEN1). Also called: MEN I; WERMER SYNDROME; Endocrine adenomatosis multiple; MEN 1; MEA I. Identifiers: Orphanet 652, MedGen C0025267, MeSH D018761, MONDO:0007540, OMIM 131100.

Submission:

Labcorp Genetics (formerly Invitae), Labcorp
Classification: Pathogenic for Multiple endocrine neoplasia, type 1. Last evaluated: 2020-06-15. Review status: criteria provided, single submitter. Criteria: Invitae Variant Classification Sherloc (09022015). Collection method: clinical testing. Allele origin: germline.
Comment: For these reasons, this variant has been classified as Pathogenic. Loss-of-function variants in MEN1 are known to be pathogenic (PMID: 12112656, 17853334). This variant has not been reported in the literature in individuals with MEN1-related conditions. This variant is not present in population databases (ExAC no frequency). This sequence change creates a premature translational stop signal (p.Gln349Argfs*19) in the MEN1 gene. It is expected to result in an absent or disrupted protein product.

Literature cited by the submitters: PubMed 12112656; PubMed 17853334.

NM_001370259.2(MEN1):c.1045del (p.Gln349fs)

Gene: MEN1 (menin 1; minus strand). Cytogenetic location: 11q13.1.
Variant type: Deletion.
Coding change: c.1045del on transcript NM_001370259.2 (MANE Select); coding-DNA position 1045, one base deleted (C; older notation c.1045delC).
Protein change: p.Gln349fs; shifts the reading frame from glutamine 349.
Molecular consequence: frameshift variant.
Genome position (GRCh38, 1-based): chr11:64,806,236, G deleted on the plus strand (C on the coding strand, the reverse complement: MEN1 is on the minus strand); the first of 2 consecutive G bases (chr11:64,806,236-64,806,237); deleting either gives the same sequence. VCF-style (leftmost placement, unchanged base first): chr11-64806235-TG-T. GRCh37 (hg19) VCF-style: chr11-64573707-TG-T.
Other names: c.940del, p.Gln314fs (NM_001370262.2, NM_001370263.2); c.1045del, p.Gln349fs (NM_130799.3, NM_001370251.2, NM_001370260.2 and 1 more transcripts); c.1060del, p.Gln354fs (NM_130800.3, NM_130801.3, NM_130802.3 and 3 more transcripts); short protein forms Q314fs, Q349fs, Q354fs.
Identifiers: ClinVar variation 1072314 (VCV001072314.8), dbSNP rs2136117722, ClinGen allele CA2499221152.